The following is an entry in ClinVar:

ClinVar aggregate classification (germline): Likely pathogenic. Review status: criteria provided, multiple submitters, no conflicts (2 of 4 stars). 3 submissions from 3 submitters: Likely pathogenic (2). 1 of the submissions does not count toward it. Last evaluated 2024-05-25.

Conditions:
Finnish congenital nephrotic syndrome (NPHS1). Also called: NEPHROTIC SYNDROME, TYPE 1. Identifiers: Orphanet 839, MedGen C0403399, MONDO:0009732, OMIM 256300.

gnomAD v4.1: 2 of 1,613,134 alleles (0.00012%); highest among the groups gnomAD compares: Admixed American, 0.0017%; no homozygotes.

Submissions (3):

Fulgent Genetics
Classification: Likely pathogenic for Finnish congenital nephrotic syndrome. Last evaluated: 2024-05-25. Review status: criteria provided, single submitter. Criteria: ACMG Guidelines, 2015. Collection method: clinical testing. Allele origin: germline.

Labcorp Genetics (formerly Invitae), Labcorp
Classification: Likely pathogenic. Last evaluated: 2021-11-27. Review status: criteria provided, single submitter. Criteria: Invitae Variant Classification Sherloc (09022015). Collection method: clinical testing. Allele origin: germline.
Comment: This variant is not present in population databases (gnomAD no frequency). In summary, the currently available evidence indicates that the variant is pathogenic, but additional data are needed to prove that conclusively. Therefore, this variant has been classified as Likely Pathogenic. Advanced modeling of protein sequence and biophysical properties (such as structural, functional, and spatial information, amino acid conservation, physicochemical variation, residue mobility, and thermodynamic stability) performed at Invitae indicates that this missense variant is expected to disrupt NPHS1 protein function. ClinVar contains an entry for this variant (Variation ID: 56490). This missense change has been observed in individual(s) with steroid-resistant nephrotic syndrome (PMID: 18614772). In at least one individual the data is consistent with being in trans (on the opposite chromosome) from a pathogenic variant. This sequence change replaces leucine, which is neutral and non-polar, with valine, which is neutral and non-polar, at codon 96 of the NPHS1 protein (p.Leu96Val).

Juha Muilu Group; Institute for Molecular Medicine Finland (FIMM)
Classification: Likely pathogenic for Finnish congenital nephrotic syndrome. Review status: no assertion criteria provided. Collection method: not provided. Allele origin: unknown. Not counted in ClinVar's aggregate classification.
Comment: FinDis database variant: FinDis database variant: This variant was not found or characterized by our laboratory, data were collected from public sources: see reference
ClinVar note: Converted during submission from probable-pathogenic to Likely pathogenic.

Literature cited by the submitters: PubMed 18614772 (cited by Labcorp Genetics (formerly Invitae), Labcorp).

NM_004646.4(NPHS1):c.286C>G (p.Leu96Val)

Gene: NPHS1 (NPHS1 adhesion molecule, nephrin; minus strand). Cytogenetic location: 19q13.12.
Variant type: single nucleotide variant.
Coding change: c.286C>G on transcript NM_004646.4 (MANE Select); coding-DNA position 286, C replaced by G.
Protein change: p.Leu96Val; replaces leucine 96 with valine.
Molecular consequence: missense variant.
Genome position (GRCh38, 1-based): chr19:35,851,373, G>C on the plus strand (C>G on the coding strand, the complement: NPHS1 is on the minus strand). VCF-style: chr19-35851373-G-C. GRCh37 (hg19) VCF-style: chr19-36342275-G-C.
Other names: short protein forms L96V.
Identifiers: ClinVar variation 56490 (VCV000056490.8), dbSNP rs386833929, ClinGen allele CA250214.
Genomic context (GRCh38, chr19:35,851,373, plus strand): 5'-AGCGGCCGACCTGGCACTCATACTCCGCGTCATCGCTGAGGTCACAGGCCTCGATGTGCA[G>C]GTGGAATTCACCTGCAGGGGGAGCCGGAAGTCAGGGCCGCAGCTTCCGCTGGTGGCTGAG-3'
Protein context (NP_004637.1, residues 86-106): EGDPARGEFH[Leu96Val]HIEACDLSDD